The following is an entry in ClinVar:

ClinVar aggregate classification (germline): Pathogenic (1 of 4 stars; one submission).

Conditions:
Landau-Kleffner syndrome (FESD). Also called: EPILEPSY, FOCAL, WITH SPEECH DISORDER AND WITH OR WITHOUT MENTAL RETARDATION; APHASIA, ACQUIRED, WITH EPILEPSY. Identifiers: Orphanet 1945, Orphanet 725, Orphanet 98818, MedGen C0282512, MONDO:0009509, OMIM 245570.

Submission:

Labcorp Genetics (formerly Invitae), Labcorp
Classification: Pathogenic for Landau-Kleffner syndrome. Last evaluated: 2025-03-31. Review status: criteria provided, single submitter. Criteria: Invitae Variant Classification Sherloc (09022015). Collection method: clinical testing. Allele origin: germline.
Comment: This sequence change affects a donor splice site in intron 8 of the GRIN2A gene. It is expected to disrupt RNA splicing. Variants that disrupt the donor or acceptor splice site typically lead to a loss of protein function (PMID: 16199547), and loss-of-function variants in GRIN2A are known to be pathogenic (PMID: 23933819, 23933820). This variant is not present in population databases (gnomAD no frequency). Disruption of this splice site has been observed in individual(s) with GRIN2A-related conditions (internal data). In at least one individual the variant was observed to be de novo. Algorithms developed to predict the effect of sequence changes on RNA splicing suggest that this variant may disrupt the consensus splice site. For these reasons, this variant has been classified as Pathogenic.

Literature cited by the submitters: PubMed 16199547; PubMed 23933819; PubMed 23933820.

NM_001134407.3(GRIN2A):c.1651+1G>A

Gene: GRIN2A (glutamate ionotropic receptor NMDA type subunit 2A; minus strand). Cytogenetic location: 16p13.2.
Variant type: single nucleotide variant.
Coding change: c.1651+1G>A on transcript NM_001134407.3 (MANE Select); the canonical splice donor site of the intron after coding-DNA position 1651, G replaced by A.
Molecular consequence: splice donor variant.
Genome position (GRCh38, 1-based): chr16:9,840,646, C>T on the plus strand (G>A on the coding strand, the complement: GRIN2A is on the minus strand). VCF-style: chr16-9840646-C-T. GRCh37 (hg19) VCF-style: chr16-9934503-C-T.
Other names: c.1651+1G>A (NM_001134408.2, NM_000833.5).
Identifiers: ClinVar variation 3612274 (VCV003612274.2).
Genomic context (GRCh38, chr16:9,840,646, plus strand): 5'-GCAAACAAGATTTCCTACAATTCCTTATAGGAAAGCAATAGTCACTATGAAATTCACACA[C>T]CTAGAAAAGCAGAAGGTGAGACGGTGCCATTACTTCTTGAAACCATGACACTGATTCCCG-3'